The following is an entry in ClinVar:

NM_000038.6(APC):c.731G>A (p.Arg244Lys)

Gene: APC (APC regulator of Wnt signaling pathway; plus strand). Cytogenetic location: 5q22.2.
Variant type: single nucleotide variant.
Coding change: c.731G>A on transcript NM_000038.6 (MANE Select); coding-DNA position 731, G replaced by A.
Protein change: p.Arg244Lys; replaces arginine 244 with lysine.
Molecular consequence: missense variant. On other transcripts: 5 prime UTR variant (1).
Genome position (GRCh38, 1-based): chr5:112,801,280, G>A. VCF-style: chr5-112801280-G-A. GRCh37 (hg19) VCF-style: chr5-112136977-G-A.
Other names: c.647G>A, p.Arg216Lys (NM_001407452.1, NM_001407467.1, NM_001407469.1 and 1 more transcripts); c.554G>A, p.Arg185Lys (NM_001407453.1, NM_001354900.2, NM_001354901.2 and 1 more transcripts); c.731G>A, p.Arg244Lys (NM_001407454.1, NM_001407455.1, NM_001407456.1 and 12 more transcripts); c.-305G>A (NM_001407470.1, NM_001407471.1, NM_001407472.1 and 1 more transcripts); c.677G>A, p.Arg226Lys (NM_001127511.3); c.761G>A, p.Arg254Lys (NM_001354897.2, NM_001354902.2, NM_001407446.1); c.656G>A, p.Arg219Lys (NM_001354898.2, NM_001354904.2, NM_001407451.1); short protein forms R185K, R226K, R219K, R254K, R216K, R244K.
Identifiers: ClinVar variation 1758305 (VCV001758305.6), dbSNP rs1455559417, ClinGen allele CA16022928.
Genomic context (GRCh38, chr5:112,801,280, plus strand): 5'-TTGGGCTAAGAAAGCCTACACCATTTTTGCATGTACTGATGTTAACTCCATCTTAACAGA[G>A]GTCATCTCAGAACAAGCATGAAACCGGCTCACATGATGCTGAGCGGCAGAATGAAGGTCA-3'
Protein context (NP_000029.2, residues 234-254): LLQSQATEAE[Arg244Lys]SSQNKHETGS

ClinVar aggregate classification (germline): Uncertain significance. Review status: criteria provided, multiple submitters, no conflicts (2 of 4 stars). 2 submissions from 2 submitters: Uncertain significance (2). Last evaluated 2024-06-09.

Conditions:
Hereditary cancer-predisposing syndrome. Also called: Neoplastic Syndromes, Hereditary; Tumor predisposition; Hereditary Cancer Syndrome; Hereditary neoplastic syndrome. Identifiers: Orphanet 140162, MedGen C0027672, MeSH D009386, MONDO:0015356.
Familial adenomatous polyposis 1 (FAP1). Also called: FAMILIAL ADENOMATOUS POLYPOSIS 1, ATTENUATED; POLYPOSIS, ADENOMATOUS INTESTINAL. Identifiers: MedGen C2713442, MONDO:0021056, OMIM 175100. Disease mechanism: loss of function.

Allele frequency attached by ClinVar (database versions not stated): gnomAD 0.00001; gnomAD exomes 0.00001.

Submissions (2):

Labcorp Genetics (formerly Invitae), Labcorp
Classification: Uncertain significance for Familial adenomatous polyposis 1. Last evaluated: 2024-06-09. Review status: criteria provided, single submitter. Criteria: Invitae Variant Classification Sherloc (09022015). Collection method: clinical testing. Allele origin: germline.
Comment: This sequence change replaces arginine, which is basic and polar, with lysine, which is basic and polar, at codon 244 of the APC protein (p.Arg244Lys). This variant is not present in population databases (gnomAD no frequency). This variant has not been reported in the literature in individuals affected with APC-related conditions. ClinVar contains an entry for this variant (Variation ID: 1758305). An algorithm developed to predict the effect of missense changes on protein structure and function (PolyPhen-2) suggests that this variant is likely to be tolerated. Algorithms developed to predict the effect of sequence changes on RNA splicing suggest that this variant may create or strengthen a splice site. In summary, the available evidence is currently insufficient to determine the role of this variant in disease. Therefore, it has been classified as a Variant of Uncertain Significance.

Ambry Genetics
Classification: Uncertain significance for Hereditary cancer-predisposing syndrome. Last evaluated: 2022-08-09. Review status: criteria provided, single submitter. Criteria: Ambry Variant Classification Scheme 2023. Collection method: clinical testing. Allele origin: germline.
Comment: The p.R244K variant (also known as c.731G>A), located in coding exon 7 of the APC gene, results from a G to A substitution at nucleotide position 731. The arginine at codon 244 is replaced by lysine, an amino acid with highly similar properties. This amino acid position is highly conserved in available vertebrate species. In addition, in silico predictors for this gene do not accurately predict pathogenicity. Since supporting evidence is limited at this time, the clinical significance of this alteration remains unclear.